The following is an entry in ClinVar:

ClinVar aggregate classification (germline): Pathogenic/Likely pathogenic. Review status: criteria provided, multiple submitters, no conflicts (2 of 4 stars). 6 submissions from 6 submitters: Pathogenic (4); Likely pathogenic (2). Last evaluated 2024-04-19.

Conditions:
Deficiency of alpha-mannosidase (MANSA). Also called: Mannosidosis, alpha-, types I and II; LYSOSOMAL ALPHA-D-MANNOSIDASE DEFICIENCY; Alpha-Mannosidosis. Identifiers: Orphanet 61, MedGen C0024748, MONDO:0009561, OMIM 248500.

Submissions (6):

Natera, Inc.
Classification: Pathogenic for Alpha-mannosidosis. Last evaluated: 2024-04-19. Review status: criteria provided, single submitter. Criteria: Natera Variant Classification Schema (03/2026). Collection method: clinical testing. Allele origin: germline.
Comment: The c.1048dupC variant in MAN2B1 is a frameshift variant predicted to shift the reading frame beginning at codon 350 and leads to a stop codon 26 codons downstream. This variant is expected to result in nonsense mediated decay, truncation, or a dysfunctional protein product. This variant is rare in the general population with a frequency below the threshold expected for the associated phenotype(s). This variant has been observed in one or more individuals affected with the associated recessive disease, as either homozygous or compound heterozygous with a second variant (PMID: 29859105). Given the available evidence, this variant is classified as Pathogenic.

Baylor Genetics
Classification: Likely pathogenic for Deficiency of alpha-mannosidase. Last evaluated: 2024-03-30. Review status: criteria provided, single submitter. Criteria: ACMG Guidelines, 2015. Collection method: clinical testing. Allele origin: unknown.

Labcorp Genetics (formerly Invitae), Labcorp
Classification: Pathogenic for Deficiency of alpha-mannosidase. Last evaluated: 2023-09-21. Review status: criteria provided, single submitter. Criteria: Invitae Variant Classification Sherloc (09022015). Collection method: clinical testing. Allele origin: germline.
Comment: This variant has not been reported in the literature in individuals affected with MAN2B1-related conditions. This variant is not present in population databases (gnomAD no frequency). This sequence change creates a premature translational stop signal (p.His350Profs*26) in the MAN2B1 gene. It is expected to result in an absent or disrupted protein product. Loss-of-function variants in MAN2B1 are known to be pathogenic (PMID: 9915946, 22161967). For these reasons, this variant has been classified as Pathogenic. Algorithms developed to predict the effect of sequence changes on RNA splicing suggest that this variant may disrupt the consensus splice site. ClinVar contains an entry for this variant (Variation ID: 1073277).

Genome-Nilou Lab
Classification: Pathogenic for Deficiency of alpha-mannosidase. Last evaluated: 2021-09-05. Review status: criteria provided, single submitter. Criteria: ACMG Guidelines, 2015. Collection method: clinical testing. Allele origin: germline. Affected: no.

Genetic Services Laboratory, University of Chicago
Classification: Pathogenic. Last evaluated: 2020-03-09. Review status: criteria provided, single submitter. Criteria: ACMG Guidelines, 2015. Collection method: clinical testing. Allele origin: germline. Affected: yes.
Comment: DNA sequence analysis of the MAN2B1 gene demonstrated a single base pair duplication in exon 8, c.1048dup. This sequence change results in an amino acid frameshift and creates a premature stop codon 25 amino acids downstream of the change, p.His350Profs*26. This sequence change is predicted to result in an abnormal transcript, which may be degraded, or may lead to the production of a truncated MAN2B1 protein with potentially abnormal function. This sequence change has not been previously described but other duplications have been reported in patients with MAN2B1-related mannosidosis (PMIDs: 26048034, 22161967). This sequence change is absent from the large population databases (ExAC and gnomAD). These collective evidences indicate that this sequence change is likely pathogenic, however functional studies have not been performed to prove this conclusively.

Juno Genomics, Hangzhou Juno Genomics, Inc
Classification: Likely pathogenic for Deficiency of alpha-mannosidase. Review status: criteria provided, single submitter. Criteria: ACMG Guidelines, 2015. Collection method: clinical testing. Allele origin: germline.
Comment: Absent from controls (or at extremely low frequency if recessive) in Genome Aggregation Database.;Null variant in a gene where loss of function (LOF) is a known mechanism of disease.

Literature cited by the submitters: PubMed 29859105 (cited by Natera, Inc.); PubMed 9915946 (cited by Labcorp Genetics (formerly Invitae), Labcorp); PubMed 22161967 (cited by Labcorp Genetics (formerly Invitae), Labcorp).

NM_000528.4(MAN2B1):c.1048dup (p.His350fs)

Gene: MAN2B1 (mannosidase alpha class 2B member 1; minus strand). Cytogenetic location: 19p13.13.
Variant type: Duplication.
Coding change: c.1048dup on transcript NM_000528.4 (MANE Select); coding-DNA position 1048, one base duplicated (C; older notation c.1048dupC).
Protein change: p.His350fs; shifts the reading frame from histidine 350.
Molecular consequence: frameshift variant.
Genome position (GRCh38, 1-based): chr19:12,658,489, G duplicated on the plus strand (C on the coding strand, the reverse complement: MAN2B1 is on the minus strand); the first of 2 consecutive G bases (chr19:12,658,489-12,658,490); duplicating either gives the same sequence. VCF-style (leftmost placement, unchanged base first): chr19-12658488-T-TG. GRCh37 (hg19) VCF-style: chr19-12769302-T-TG.
Other names: c.1048dup (NM_000528.3); c.1045dup, p.His349fs (NM_001173498.2); c.1048dupC (NM_000528.3); short protein forms H349fs, H350fs.
Identifiers: ClinVar variation 1073277 (VCV001073277.23), dbSNP rs2145262260, ClinGen allele CA2499225375.